The following is an entry in ClinVar:

NM_152383.5(DIS3L2):c.658G>A (p.Asp220Asn)

Gene: DIS3L2 (DIS3 like 3'-5' exoribonuclease 2; plus strand). Cytogenetic location: 2q37.1.
Variant type: single nucleotide variant.
Coding change: c.658G>A on transcript NM_152383.5 (MANE Select); coding-DNA position 658, G replaced by A.
Protein change: p.Asp220Asn; replaces aspartic acid 220 with asparagine.
Molecular consequence: missense variant. On other transcripts: non-coding transcript variant (2).
Genome position (GRCh38, 1-based): chr2:232,130,675, G>A. VCF-style: chr2-232130675-G-A. GRCh37 (hg19) VCF-style: chr2-232995385-G-A.
Other names: c.658G>A, p.Asp220Asn (NM_001257281.2, NM_001257282.2); short protein forms D220N.
Identifiers: ClinVar variation 848226 (VCV000848226.9), dbSNP rs1698190297, ClinGen allele CA351153205.

ClinVar aggregate classification (germline): Uncertain significance (1 of 4 stars; one submission).

Conditions:
Perlman syndrome (PRLMNS). Identifiers: Orphanet 2849, MedGen C0796113, MONDO:0009965, OMIM 267000.

Submission:

Labcorp Genetics (formerly Invitae), Labcorp
Classification: Uncertain significance for Perlman syndrome. Last evaluated: 2023-11-25. Review status: criteria provided, single submitter. Criteria: Invitae Variant Classification Sherloc (09022015). Collection method: clinical testing. Allele origin: germline.
Comment: This sequence change replaces aspartic acid, which is acidic and polar, with asparagine, which is neutral and polar, at codon 220 of the DIS3L2 protein (p.Asp220Asn). This variant is not present in population databases (gnomAD no frequency). This variant has not been reported in the literature in individuals affected with DIS3L2-related conditions. ClinVar contains an entry for this variant (Variation ID: 848226). An algorithm developed to predict the effect of missense changes on protein structure and function (PolyPhen-2) suggests that this variant is likely to be tolerated. In summary, the available evidence is currently insufficient to determine the role of this variant in disease. Therefore, it has been classified as a Variant of Uncertain Significance.